The following is an entry in ClinVar:

ClinVar aggregate classification (germline): Uncertain significance. Review status: criteria provided, multiple submitters, no conflicts (2 of 4 stars). 3 submissions from 3 submitters: Uncertain significance (3). Last evaluated 2025-11-03.

Conditions:
COG4-congenital disorder of glycosylation. Also called: CONGENITAL DISORDER OF GLYCOSYLATION, TYPE IIj; CDG IIj; COG4-CDG. Identifiers: Orphanet 263501, MedGen C4303552, MONDO:0013281, OMIM 613489.

Allele frequency attached by ClinVar (database versions not stated): gnomAD exomes 0.00003; ExAC 0.00004; gnomAD 0.00005; TOPMed 0.00005; 1000 Genomes Project 30x 0.00016; 1000 Genomes Project 0.00020.
gnomAD v4.1: 57 of 1,613,782 alleles (0.0035%); highest among the groups gnomAD compares: South Asian, 0.016%; no homozygotes.

Submissions (3):

Labcorp Genetics (formerly Invitae), Labcorp
Classification: Uncertain significance for COG4-congenital disorder of glycosylation. Last evaluated: 2025-11-03. Review status: criteria provided, single submitter. Criteria: Invitae Variant Classification Sherloc (09022015). Collection method: clinical testing. Allele origin: germline.
Comment: This sequence change replaces valine, which is neutral and non-polar, with methionine, which is neutral and non-polar, at codon 555 of the COG4 protein (p.Val555Met). This variant is present in population databases (rs540667522, gnomAD 0.02%). This variant has not been reported in the literature in individuals affected with COG4-related conditions. ClinVar contains an entry for this variant (Variation ID: 2038426). Invitae Evidence Modeling of protein sequence and biophysical properties (such as structural, functional, and spatial information, amino acid conservation, physicochemical variation, residue mobility, and thermodynamic stability) indicates that this missense variant is not expected to disrupt COG4 protein function with a negative predictive value of 80%. In summary, the available evidence is currently insufficient to determine the role of this variant in disease. Therefore, it has been classified as a Variant of Uncertain Significance.

GeneDx
Classification: Uncertain significance. Last evaluated: 2025-01-29. Review status: criteria provided, single submitter. Criteria: GeneDx Variant Classification Process June 2021. Collection method: clinical testing. Allele origin: germline. Affected: yes.
Comment: In silico analysis indicates that this missense variant does not alter protein structure/function; Has not been previously published as pathogenic or benign to our knowledge

CeGaT Center for Human Genetics Tuebingen
Classification: Uncertain significance. Last evaluated: 2024-02-01. Review status: criteria provided, single submitter. Criteria: CeGaT Center For Human Genetics Tuebingen Variant Classification Criteria Version 2. Collection method: clinical testing. Allele origin: germline. Affected: yes. Observed: 1 variant allele.

NM_015386.3(COG4):c.1663G>A (p.Val555Met)

Gene: COG4 (component of oligomeric golgi complex 4; minus strand). Cytogenetic location: 16q22.1.
Variant type: single nucleotide variant.
Coding change: c.1663G>A on transcript NM_015386.3 (MANE Select); coding-DNA position 1663, G replaced by A.
Protein change: p.Val555Met; replaces valine 555 with methionine.
Molecular consequence: missense variant. On other transcripts: non-coding transcript variant (1), intron variant (1).
Genome position (GRCh38, 1-based): chr16:70,490,377, C>T on the plus strand (G>A on the coding strand, the complement: COG4 is on the minus strand). VCF-style: chr16-70490377-C-T. GRCh37 (hg19) VCF-style: chr16-70524280-C-T.
Other names: c.1663G>A (NM_015386.2); c.1237G>A, p.Val413Met (NM_001365426.1); c.1635+5889G>A (NM_001195139.2); short protein forms V413M, V555M.
Identifiers: ClinVar variation 2038426 (VCV002038426.27), dbSNP rs540667522, ClinGen allele CA8144245.